The following is an entry in ClinVar:

ClinVar aggregate classification (germline): Uncertain significance (1 of 4 stars; one submission).

Conditions:
Dilated cardiomyopathy 1DD (CMD1DD). Identifiers: Orphanet 154, MedGen C2750995, MONDO:0013168, OMIM 613172.

Submission:

Labcorp Genetics (formerly Invitae), Labcorp
Classification: Uncertain significance for Dilated cardiomyopathy 1DD. Last evaluated: 2023-03-13. Review status: criteria provided, single submitter. Criteria: Invitae Variant Classification Sherloc (09022015). Collection method: clinical testing. Allele origin: germline.
Comment: This sequence change replaces methionine, which is neutral and non-polar, with valine, which is neutral and non-polar, at codon 338 of the RBM20 protein (p.Met338Val). This variant is not present in population databases (gnomAD no frequency). This variant has not been reported in the literature in individuals affected with RBM20-related conditions. Advanced modeling of protein sequence and biophysical properties (such as structural, functional, and spatial information, amino acid conservation, physicochemical variation, residue mobility, and thermodynamic stability) performed at Invitae indicates that this missense variant is not expected to disrupt RBM20 protein function. In summary, the available evidence is currently insufficient to determine the role of this variant in disease. Therefore, it has been classified as a Variant of Uncertain Significance.

NM_001134363.3(RBM20):c.1012A>G (p.Met338Val)

Gene: RBM20 (RNA binding motif protein 20; plus strand). Cytogenetic location: 10q25.2.
Variant type: single nucleotide variant.
Coding change: c.1012A>G on transcript NM_001134363.3 (MANE Select); coding-DNA position 1012, A replaced by G.
Protein change: p.Met338Val; replaces methionine 338 with valine.
Molecular consequence: missense variant.
Genome position (GRCh38, 1-based): chr10:110,781,621, A>G. VCF-style: chr10-110781621-A-G. GRCh37 (hg19) VCF-style: chr10-112541379-A-G.
Other names: short protein forms M338V.
Identifiers: ClinVar variation 2906362 (VCV002906362.3), dbSNP rs1590674970, ClinGen allele CA378385289.